The following is an entry in ClinVar:

NC_000002.11:g.(?_86444152)_(86444243_?)del

Gene: REEP1 (receptor accessory protein 1; minus strand). Cytogenetic location: 2p11.2.
Variant type: Deletion.
Identifiers: ClinVar variation 1025246 (VCV001025246.1).

ClinVar aggregate classification (germline): Uncertain significance (1 of 4 stars; one submission).

Conditions:
Hereditary spastic paraplegia 31. Also called: SPASTIC PARAPLEGIA 31, AUTOSOMAL DOMINANT. Identifiers: Orphanet 101011, MedGen C1853247, MONDO:0012453, OMIM 610250.

Submission:

Labcorp Genetics (formerly Invitae), Labcorp
Classification: Uncertain significance for Hereditary spastic paraplegia 31. Last evaluated: 2020-02-28. Review status: criteria provided, single submitter. Criteria: Invitae Variant Classification Sherloc (09022015). Collection method: clinical testing. Allele origin: germline.
Comment: This variant is a gross deletion of the genomic region encompassing exon 7 of the REEP1 gene. The 5' boundary is likely confined to intron 6. The 3' end of this event is unknown as it extends through the termination codon beyond the assayed region for this gene and may encompass additional genes. While this deletion is not anticipated to result in nonsense mediated decay, it is expected to create a truncated protein product or disrupt mRNA translation. This variant has not been reported in the literature in individuals with REEP1-related disease. In summary, the available evidence is currently insufficient to determine the role of this variant in disease. Therefore, it has been classified as a Variant of Uncertain Significance.